The following is an entry in ClinVar:

NM_001557.4(CXCR2):c.743G>A (p.Arg248Gln)

Gene: CXCR2 (C-X-C motif chemokine receptor 2; plus strand). Cytogenetic location: 2q35.
Variant type: single nucleotide variant.
Coding change: c.743G>A on transcript NM_001557.4 (MANE Select); coding-DNA position 743, G replaced by A.
Protein change: p.Arg248Gln; replaces arginine 248 with glutamine.
Molecular consequence: missense variant.
Genome position (GRCh38, 1-based): chr2:218,135,544, G>A. VCF-style: chr2-218135544-G-A. GRCh37 (hg19) VCF-style: chr2-219000267-G-A.
Other names: p.Arg248Gln; c.743G>A, p.Arg248Gln (NM_001168298.2); c.743G>A (NM_001168298.1); short protein forms R248Q.
Identifiers: ClinVar variation 1131106 (VCV001131106.44), dbSNP rs61733609, ClinGen allele CA2101772.

ClinVar aggregate classification (germline): Likely benign. Review status: criteria provided, multiple submitters, no conflicts (2 of 4 stars). 4 submissions from 4 submitters: Likely benign (3). 1 of the submissions does not count toward it. Last evaluated 2026-01-25.

Conditions:
CXCR2-related disorder. Also called: CXCR2-related condition.

Allele frequency attached by ClinVar (database versions not stated): 1000 Genomes Project 30x 0.00031; 1000 Genomes Project 0.00040; TOPMed 0.00068; ExAC 0.00115; ESP Exome Variant Server 0.00138; gnomAD 0.00140 and 0.00143.
gnomAD v4.1: 1,621 of 1,614,074 alleles (0.1%); highest among the groups gnomAD compares: Non-Finnish European, 0.1%; 3 homozygotes.

Submissions (4):

Labcorp Genetics (formerly Invitae), Labcorp
Classification: Likely benign. Last evaluated: 2026-01-25. Review status: criteria provided, single submitter. Criteria: Invitae Variant Classification Sherloc (09022015). Collection method: clinical testing. Allele origin: germline.

Mayo Clinic Laboratories, Mayo Clinic
Classification: Likely benign. Last evaluated: 2025-04-15. Review status: criteria provided, single submitter. Criteria: ACMG Guidelines, 2015. Collection method: clinical testing. Allele origin: germline. Observed: 4 variant alleles.
Comment: BS1

CeGaT Center for Human Genetics Tuebingen
Classification: Likely benign. Last evaluated: 2024-06-01. Review status: criteria provided, single submitter. Criteria: CeGaT Center For Human Genetics Tuebingen Variant Classification Criteria Version 2. Collection method: clinical testing. Allele origin: germline. Affected: yes. Observed: 2 variant alleles.
Comment: CXCR2: BP4, BS2

PreventionGenetics, part of Exact Sciences
Classification: Likely benign for CXCR2-related condition. Last evaluated: 2023-11-07. Review status: no assertion criteria provided. Collection method: clinical testing. Allele origin: germline. Not counted in ClinVar's aggregate classification.
Comment: This variant is classified as likely benign based on ACMG/AMP sequence variant interpretation guidelines (Richards et al. 2015 PMID: 25741868, with internal and published modifications).

Literature cited by the submitters: PubMed 24777453 (cited by Mayo Clinic Laboratories, Mayo Clinic).